The following is an entry in ClinVar:

NM_003079.5(SMARCE1):c.580G>T (p.Ala194Ser)

Gene: SMARCE1 (SWI/SNF related BAF chromatin remodeling complex subunit E1; minus strand). Cytogenetic location: 17q21.2.
Variant type: single nucleotide variant.
Coding change: c.580G>T on transcript NM_003079.5 (MANE Select); coding-DNA position 580, G replaced by T.
Protein change: p.Ala194Ser; replaces alanine 194 with serine.
Molecular consequence: missense variant.
Genome position (GRCh38, 1-based): chr17:40,632,329, C>A on the plus strand (G>T on the coding strand, the complement: SMARCE1 is on the minus strand). VCF-style: chr17-40632329-C-A. GRCh37 (hg19) VCF-style: chr17-38788581-C-A.
Other names: short protein forms A194S.
Identifiers: ClinVar variation 2147276 (VCV002147276.5), dbSNP rs753397709, ClinGen allele CA399364828.
Genomic context (GRCh38, chr17:40,632,329, plus strand): 5'-CTGGCACCACACTCTCACTAAGAATTTCACTGATGAGGCGGTGGTTTCTCTGGAAACGGG[C>A]GGTGGCTGTATGCTTCATTGAAAAGCCATCATCATAATCTGGAGTGAACAAATTGTTCTG-3'
Protein context (NP_003070.3, residues 184-204): DGFSMKHTAT[Ala194Ser]RFQRNHRLIS

ClinVar aggregate classification (germline): Uncertain significance. Review status: criteria provided, multiple submitters, no conflicts (2 of 4 stars). 2 submissions from 2 submitters: Uncertain significance (2). Last evaluated 2024-12-08.

Conditions:
Hereditary cancer-predisposing syndrome. Also called: Tumor predisposition; Hereditary neoplastic syndrome; Hereditary Cancer Syndrome; Neoplastic Syndromes, Hereditary. Identifiers: Orphanet 140162, MedGen C0027672, MeSH D009386, MONDO:0015356.
Familial meningioma. Also called: Meningioma, familial, susceptibility to. Identifiers: Orphanet 263662, MedGen C3551915, MONDO:0011789, OMIM 607174.

gnomAD v4.1: 4 of 1,613,962 alleles (0.00025%); highest among the groups gnomAD compares: East Asian, 0.0022%; no homozygotes.

Submissions (2):

Ambry Genetics
Classification: Uncertain significance for Hereditary cancer-predisposing syndrome. Last evaluated: 2024-12-08. Review status: criteria provided, single submitter. Criteria: Ambry Variant Classification Scheme 2023. Collection method: clinical testing. Allele origin: germline.
Comment: The p.A194S variant (also known as c.580G>T), located in coding exon 7 of the SMARCE1 gene, results from a G to T substitution at nucleotide position 580. The alanine at codon 194 is replaced by serine, an amino acid with similar properties. This amino acid position is conserved. In addition, this alteration is predicted to be tolerated by in silico analysis. Based on the available evidence, the clinical significance of this variant remains unclear.

Labcorp Genetics (formerly Invitae), Labcorp
Classification: Uncertain significance for Familial meningioma. Last evaluated: 2021-12-31. Review status: criteria provided, single submitter. Criteria: Invitae Variant Classification Sherloc (09022015). Collection method: clinical testing. Allele origin: germline.
Comment: This sequence change replaces alanine, which is neutral and non-polar, with serine, which is neutral and polar, at codon 194 of the SMARCE1 protein (p.Ala194Ser). This variant is present in population databases (no rsID available, gnomAD 0.006%). This variant has not been reported in the literature in individuals affected with SMARCE1-related conditions. Algorithms developed to predict the effect of missense changes on protein structure and function (SIFT, PolyPhen-2, Align-GVGD) all suggest that this variant is likely to be tolerated. In summary, the available evidence is currently insufficient to determine the role of this variant in disease. Therefore, it has been classified as a Variant of Uncertain Significance.